The following is an entry in ClinVar:

NM_172351.3(CD46):c.1105C>T (p.His369Tyr)

Gene: CD46 (CD46 molecule; plus strand). Cytogenetic location: 1q32.2.
Variant type: single nucleotide variant.
Coding change: c.1105C>T on transcript NM_172351.3 (MANE Select); coding-DNA position 1105, C replaced by T.
Protein change: p.His369Tyr; replaces histidine 369 with tyrosine.
Molecular consequence: missense variant. On other transcripts: intron variant (7).
Genome position (GRCh38, 1-based): chr1:207,790,275, C>T. VCF-style: chr1-207790275-C-T. GRCh37 (hg19) VCF-style: chr1-207963620-C-T.
Other names: c.1150C>T, p.His384Tyr (NM_002389.4); c.1060C>T, p.His354Tyr (NM_172352.3); c.1063C>T, p.His355Tyr (NM_172355.3); c.1018C>T, p.His340Tyr (NM_172357.3); c.1128-3244C>T (NM_172359.3); c.1083-3244C>T (NM_153826.4); c.1046-3244C>T (NM_172358.3); c.1041-3244C>T (NM_172356.3); and 3 more; short protein forms H340Y, H384Y, H369Y, H354Y, H355Y.
Identifiers: ClinVar variation 1378128 (VCV001378128.8), dbSNP rs2102712015, ClinGen allele CA344553161.

ClinVar aggregate classification (germline): Uncertain significance (1 of 4 stars; one submission).

Submission:

Labcorp Genetics (formerly Invitae), Labcorp
Classification: Uncertain significance. Last evaluated: 2024-01-02. Review status: criteria provided, single submitter. Criteria: Invitae Variant Classification Sherloc (09022015). Collection method: clinical testing. Allele origin: germline.
Comment: This sequence change replaces histidine, which is basic and polar, with tyrosine, which is neutral and polar, at codon 384 of the CD46 protein (p.His384Tyr). This variant is not present in population databases (gnomAD no frequency). This variant has not been reported in the literature in individuals affected with CD46-related conditions. ClinVar contains an entry for this variant (Variation ID: 1378128). An algorithm developed to predict the effect of missense changes on protein structure and function (PolyPhen-2) suggests that this variant is likely to be tolerated. In summary, the available evidence is currently insufficient to determine the role of this variant in disease. Therefore, it has been classified as a Variant of Uncertain Significance.